The following is an entry in ClinVar:

NM_007294.4(BRCA1):c.301+16C>G

Gene: BRCA1 (BRCA1 DNA repair associated; minus strand). Cytogenetic location: 17q21.31.
Variant type: single nucleotide variant.
Coding change: c.301+16C>G on transcript NM_007294.4 (MANE Select); 16 bases into the intron after coding-DNA position 301, C replaced by G.
Molecular consequence: intron variant.
Genome position (GRCh38, 1-based): chr17:43,104,852, G>C on the plus strand (C>G on the coding strand, the complement: BRCA1 is on the minus strand). VCF-style: chr17-43104852-G-C. GRCh37 (hg19) VCF-style: chr17-41256869-G-C.
Other names: c.301+16C>G (NM_001407591.1, NM_001408441.1, NM_001408437.1 and 164 more transcripts); c.160+16C>G (NM_001407697.1, NM_001407838.1, NM_001408410.1 and 99 more transcripts); c.223+16C>G (NM_001408415.1, NM_001408475.1, NM_001407875.1 and 21 more transcripts); c.91+16C>G (NM_001408483.1, NM_001407885.1, NM_001407886.1 and 58 more transcripts); c.-218-9992C>G (NM_001407967.1, NM_001407966.1); c.-81+16C>G (NM_001407959.1, NM_001407962.1, NM_001408512.1 and 4 more transcripts); c.169+16C>G (NM_001408451.1); c.292+25C>G (NM_001408408.1, NM_001407647.1, NM_001407646.1).
Identifiers: ClinVar variation 514335 (VCV000514335.11), dbSNP rs1024464030, ClinGen allele CA290817915.

ClinVar aggregate classification (germline): Likely benign. Review status: criteria provided, multiple submitters, no conflicts (2 of 4 stars). 2 submissions from 2 submitters: Likely benign (2). Last evaluated 2019-11-25.

Conditions:
Hereditary breast ovarian cancer syndrome. Also called: Hereditary breast and ovarian cancer syndrome; BRCA1- and BRCA2-Associated Hereditary Breast and Ovarian Cancer; Hereditary breast and/or ovarian cancer syndrome; Hereditary breast and ovarian cancer syndrome (HBOC); Breast and ovarian cancer; Hereditary breast and ovarian cancer. Identifiers: Orphanet 145, MedGen C0677776, MeSH D061325, MONDO:0003582. Disease mechanism: loss of function.

Submissions (2):

Labcorp Genetics (formerly Invitae), Labcorp
Classification: Likely benign for Hereditary breast ovarian cancer syndrome. Last evaluated: 2019-11-25. Review status: criteria provided, single submitter. Criteria: Invitae Variant Classification Sherloc (09022015). Collection method: clinical testing. Allele origin: germline.

GeneDx
Classification: Likely benign. Last evaluated: 2017-12-19. Review status: criteria provided, single submitter. Criteria: GeneDx Variant Classification (06012015). Collection method: clinical testing. Allele origin: germline. Affected: yes.
Comment: This variant is considered likely benign or benign based on one or more of the following criteria: it is a conservative change, it occurs at a poorly conserved position in the protein, it is predicted to be benign by multiple in silico algorithms, and/or has population frequency not consistent with disease.